The following is an entry in ClinVar:

NM_018834.6(MATR3):c.272G>A (p.Ser91Asn)

Gene: MATR3 (matrin 3; plus strand). Cytogenetic location: 5q31.2.
Variant type: single nucleotide variant.
Coding change: c.272G>A on transcript NM_018834.6 (MANE Select); coding-DNA position 272, G replaced by A.
Protein change: p.Ser91Asn; replaces serine 91 with asparagine.
Molecular consequence: missense variant. On other transcripts: intron variant (2).
Genome position (GRCh38, 1-based): chr5:139,307,687, G>A. VCF-style: chr5-139307687-G-A. GRCh37 (hg19) VCF-style: chr5-138643376-G-A.
Other names: c.272G>A, p.Ser91Asn (NM_001194954.2, NM_001194955.2, NM_199189.3); c.-102-6988G>A (NM_001282278.2); c.49-6988G>A (NM_001194956.2); short protein forms S91N.
Identifiers: ClinVar variation 862259 (VCV000862259.10), dbSNP rs1460343731, ClinGen allele CA361486894.

ClinVar aggregate classification (germline): Uncertain significance (1 of 4 stars; one submission).

Conditions:
Amyotrophic lateral sclerosis type 21. Also called: VOCAL CORD AND PHARYNGEAL DYSFUNCTION WITH DISTAL MYOPATHY; MYOPATHY, DISTAL, 2. Identifiers: Orphanet 600, Orphanet 803, MedGen C3807521, MONDO:0011632, OMIM 606070.

Allele frequency attached by ClinVar (database versions not stated): gnomAD exomes below 0.00001.

Submission:

Labcorp Genetics (formerly Invitae), Labcorp
Classification: Uncertain significance for Amyotrophic lateral sclerosis type 21. Last evaluated: 2023-07-07. Review status: criteria provided, single submitter. Criteria: Invitae Variant Classification Sherloc (09022015). Collection method: clinical testing. Allele origin: germline.
Comment: In summary, the available evidence is currently insufficient to determine the role of this variant in disease. Therefore, it has been classified as a Variant of Uncertain Significance. Advanced modeling of protein sequence and biophysical properties (such as structural, functional, and spatial information, amino acid conservation, physicochemical variation, residue mobility, and thermodynamic stability) performed at Invitae indicates that this missense variant is not expected to disrupt MATR3 protein function. This sequence change replaces serine, which is neutral and polar, with asparagine, which is neutral and polar, at codon 91 of the MATR3 protein (p.Ser91Asn). This variant is present in population databases (no rsID available, gnomAD 0.004%). This variant has not been reported in the literature in individuals affected with MATR3-related conditions. ClinVar contains an entry for this variant (Variation ID: 862259).